The following is an entry in ClinVar:

NM_015506.3(MMACHC):c.57del (p.Phe19fs)

Gene: MMACHC (metabolism of cobalamin associated C; plus strand). Cytogenetic location: 1p34.1.
Variant type: Deletion.
Coding change: c.57del on transcript NM_015506.3 (MANE Select); coding-DNA position 57, one base deleted (T; older notation c.57delT).
Protein change: p.Phe19fs; shifts the reading frame from phenylalanine 19.
Molecular consequence: frameshift variant. On other transcripts: 5 prime UTR variant (1).
Genome position (GRCh38, 1-based): chr1:45,500,389, T deleted; the last of 4 consecutive T bases (chr1:45,500,386-45,500,389); deleting any one gives the same sequence. VCF-style (leftmost placement, unchanged base first): chr1-45500385-CT-C. GRCh37 (hg19) VCF-style: chr1-45966057-CT-C.
Other names: c.-166del (NM_001330540.2); short protein forms F19fs.
Identifiers: ClinVar variation 4850397 (VCV004850397.1).
Genomic context (GRCh38, chr1:45,500,385, plus strand): 5'-CGTGCGCTATGGAGCCGAAAGTCGCAGAGCTGAAGCAGAAGATCGAGGACACGCTATGTC[CT>C]TTTGGCTTCGAGGTTTACCCCTTCCAGGTTAGTTTATCCCTCCTGCTGTTCTAGGGCGAA-3'

ClinVar aggregate classification (germline): Likely pathogenic (1 of 4 stars; one submission).

Conditions:
Cobalamin C disease. Also called: Cobalamin-C methylmalonic acidemia and homocystinuria; Methylmalonic acidemia and homocystinuria cblC type; Methylmalonic aciduria with homocystinuria cblC type; Methylmalonic aciduria and homocystinuria, Vitamin B12-responsive; Vitamin B12 metabolic defect with combined deficiency of methylmalonyl-CoA mutase and homocysteine:methyltetrahydrofolate methyltransferase; methylmalonic aciduria and homocystinuria type cblC. Identifiers: Orphanet 26, Orphanet 79282, MedGen C1848561, MONDO:0010184, OMIM 277400.

Submission:

First Genomix Gene Laboratory, Genetic Diagnostics Department
Classification: Likely pathogenic for Cobalamin C disease. Last evaluated: 2025-09-17. Review status: criteria provided, single submitter. Criteria: ACMG Guidelines, 2015. Collection method: clinical testing. Allele origin: germline. Inheritance: Autosomal recessive inheritance. Affected: no. Observed: 1 variant allele.